The following is an entry in ClinVar:

ClinVar aggregate classification (germline): Uncertain significance. Review status: criteria provided, multiple submitters, no conflicts (2 of 4 stars). 2 submissions from 2 submitters: Uncertain significance (2). Last evaluated 2022-09-26.

Conditions:
Nephronophthisis. Also called: Juvenile Nephronophthisis. Identifiers: Orphanet 655, MedGen C0687120, MONDO:0019005, HP:0000090.

Submissions (2):

Blueprint Genetics
Classification: Uncertain significance. Last evaluated: 2022-09-26. Review status: criteria provided, single submitter. Criteria: ACMG Guidelines, 2015. Collection method: clinical testing. Allele origin: germline.

Labcorp Genetics (formerly Invitae), Labcorp
Classification: Uncertain significance for Nephronophthisis. Last evaluated: 2021-08-13. Review status: criteria provided, single submitter. Criteria: Invitae Variant Classification Sherloc (09022015). Collection method: clinical testing. Allele origin: germline.
Comment: This sequence change replaces proline with threonine at codon 1268 of the NPHP4 protein (p.Pro1268Thr). The proline residue is highly conserved and there is a small physicochemical difference between proline and threonine. This variant is not present in population databases (ExAC no frequency). This variant has not been reported in the literature in individuals affected with NPHP4-related conditions. Algorithms developed to predict the effect of missense changes on protein structure and function are either unavailable or do not agree on the potential impact of this missense change (SIFT: "Deleterious"; PolyPhen-2: "Possibly Damaging"; Align-GVGD: "Class C0"). In summary, the available evidence is currently insufficient to determine the role of this variant in disease. Therefore, it has been classified as a Variant of Uncertain Significance.

NM_015102.5(NPHP4):c.3802C>A (p.Pro1268Thr)

Gene: NPHP4 (nephrocystin 4; minus strand). Cytogenetic location: 1p36.31.
Variant type: single nucleotide variant.
Coding change: c.3802C>A on transcript NM_015102.5 (MANE Select); coding-DNA position 3802, C replaced by A.
Protein change: p.Pro1268Thr; replaces proline 1268 with threonine.
Molecular consequence: missense variant. On other transcripts: non-coding transcript variant (1).
Genome position (GRCh38, 1-based): chr1:5,865,116, G>T on the plus strand (C>A on the coding strand, the complement: NPHP4 is on the minus strand). VCF-style: chr1-5865116-G-T. GRCh37 (hg19) VCF-style: chr1-5925176-G-T.
Other names: c.2263C>A, p.Pro755Thr (NM_001291593.2); c.2266C>A, p.Pro756Thr (NM_001291594.2); short protein forms P755T, P756T, P1268T.
Identifiers: ClinVar variation 1362784 (VCV001362784.4), dbSNP rs1641070727, ClinGen allele CA338049957.
Genomic context (GRCh38, chr1:5,865,116, plus strand): 5'-GCTGGGGTTGGGGAGAGGCTCAGAACAGCCCCCAGAGAGGCCGTACCTTCAGCTCCTGGG[G>T]ATGAGAGGTGAAAGCTCTCACTTTCCTCACTGTCTGTGTCCCCCGAAGGACAAGGGACAG-3'
Protein context (NP_055917.1, residues 1258-1278): VRKVRAFTSH[Pro1268Thr]QELKTDPKGV